The following is an entry in ClinVar:

NM_006617.2(NES):c.3824C>T (p.Pro1275Leu)

Gene: NES (nestin; minus strand). Cytogenetic location: 1q23.1.
Variant type: single nucleotide variant.
Coding change: c.3824C>T on transcript NM_006617.2 (MANE Select); coding-DNA position 3824, C replaced by T.
Protein change: p.Pro1275Leu; replaces proline 1275 with leucine.
Molecular consequence: missense variant.
Genome position (GRCh38, 1-based): chr1:156,670,364, G>A on the plus strand (C>T on the coding strand, the complement: NES is on the minus strand). VCF-style: chr1-156670364-G-A. GRCh37 (hg19) VCF-style: chr1-156640156-G-A.
Other names: short protein forms P1275L.
Identifiers: ClinVar variation 1238056 (VCV001238056.4), dbSNP rs3748570, ClinGen allele CA1164721.

ClinVar aggregate classification (germline): Benign. Review status: criteria provided, multiple submitters, no conflicts (2 of 4 stars). 2 submissions from 2 submitters: Benign (2). Last evaluated 2021-02-24.

Allele frequency attached by ClinVar (database versions not stated): gnomAD exomes 0.65038 and 0.67682; ESP Exome Variant Server 0.65985; ExAC 0.67452; gnomAD 0.67464 and 0.67532; TOPMed 0.68330; 1000 Genomes Project 30x 0.72096; 1000 Genomes Project 0.72444.
gnomAD v4.1: 1,050,888 of 1,607,838 alleles (65%); highest among the groups gnomAD compares: East Asian, 82%; 345,128 homozygotes.

Submissions (2):

GeneDx
Classification: Benign. Last evaluated: 2021-02-24. Review status: criteria provided, single submitter. Criteria: GeneDx Variant Classification Process June 2021. Collection method: clinical testing. Allele origin: germline. Affected: yes.
Comment: This variant is associated with the following publications: (PMID: 18724036)

Breakthrough Genomics
Classification: Benign. Review status: criteria provided, single submitter. Criteria: ACMG Guidelines, 2015. Collection method: not provided. Allele origin: germline. Inheritance: Unknown mechanism. Affected: yes.